The following is an entry in ClinVar:

ClinVar aggregate classification (germline): Pathogenic. Review status: criteria provided, multiple submitters, no conflicts (2 of 4 stars). 2 submissions from 2 submitters: Pathogenic (2). Last evaluated 2023-06-01.

Conditions:
Hereditary cancer-predisposing syndrome. Also called: Neoplastic Syndromes, Hereditary; Tumor predisposition; Hereditary Cancer Syndrome; Hereditary neoplastic syndrome. Identifiers: Orphanet 140162, MedGen C0027672, MeSH D009386, MONDO:0015356.
Familial cancer of breast. Also called: BREAST CANCER, FAMILIAL; hereditary breast carcinoma; Hereditary breast cancer. Identifiers: Orphanet 227535, MedGen C0346153, MONDO:0016419, OMIM 114480. Disease mechanism: loss of function.

Submissions (2):

Myriad Genetics, Inc.
Classification: Pathogenic for Familial cancer of breast. Last evaluated: 2023-06-01. Review status: criteria provided, single submitter. Criteria: Myriad Autosomal Dominant, Autosomal Recessive and X-Linked Classification Criteria (2023). Collection method: clinical testing. Allele origin: unknown.
Comment: This variant is considered pathogenic. This variant creates a frameshift predicted to result in premature protein truncation.

Ambry Genetics
Classification: Pathogenic for Hereditary cancer-predisposing syndrome. Last evaluated: 2019-07-16. Review status: criteria provided, single submitter. Criteria: Ambry Variant Classification Scheme 2023. Collection method: clinical testing. Allele origin: germline.
Comment: The c.1229dupT pathogenic mutation, located in coding exon 8 of the BRIP1 gene, results from a duplication of T at nucleotide position 1229, causing a translational frameshift with a predicted alternate stop codon (p.T411Nfs*11). This alteration is expected to result in loss of function by premature protein truncation or nonsense-mediated mRNA decay. As such, this alteration is interpreted as a disease-causing mutation.

NM_032043.3(BRIP1):c.1229dup (p.Thr411fs)

Gene: BRIP1 (BRCA1 interacting DNA helicase 1; minus strand). Cytogenetic location: 17q23.2.
Variant type: Duplication.
Coding change: c.1229dup on transcript NM_032043.3 (MANE Select); coding-DNA position 1229, one base duplicated (T; older notation c.1229dupT).
Protein change: p.Thr411fs; shifts the reading frame from threonine 411.
Molecular consequence: frameshift variant.
Genome position (GRCh38, 1-based): chr17:61,799,211, A duplicated on the plus strand (T on the coding strand, the reverse complement: BRIP1 is on the minus strand). VCF-style (leftmost placement, unchanged base first): chr17-61799210-T-TA. GRCh37 (hg19) VCF-style: chr17-59876571-T-TA.
Other names: c.1229dupT (NM_032043.2); short protein forms T411fs.
Identifiers: ClinVar variation 1755025 (VCV001755025.4), dbSNP rs2545137417, ClinGen allele CA2580094492.